The following is an entry in ClinVar:

ClinVar aggregate classification (germline): Likely pathogenic. Review status: criteria provided, single submitter (1 of 4 stars). 3 submissions from 3 submitters: Likely pathogenic (1). 2 of the submissions do not count toward it. Last evaluated 2025-05-13.

Conditions:
Neurodevelopmental disorder with progressive spasticity and brain white matter abnormalities. Also called: CEREBRAL PALSY, SPASTIC QUADRIPLEGIC, 1. Identifiers: Orphanet 210141, Orphanet 641353, MedGen C5436628, MONDO:0033613, OMIM 619026.
Spastic paraplegia. Identifiers: MedGen C0037772, HP:0001258.

gnomAD v4.1: 4 of 1,585,312 alleles (0.00025%); highest among the groups gnomAD compares: Non-Finnish European, 0.00034%; no homozygotes.

Submissions (3):

GeneDx
Classification: Likely pathogenic. Last evaluated: 2025-05-13. Review status: criteria provided, single submitter. Criteria: GeneDx Variant Classification Process June 2021. Collection method: clinical testing. Allele origin: germline. Affected: yes.
Comment: Not observed at significant frequency in large population cohorts (gnomAD); In silico analysis suggests that this missense variant does not alter protein structure/function; This variant is associated with the following publications: (PMID: 33188300, 33970200)

OMIM
Classification: Pathogenic for NEURODEVELOPMENTAL DISORDER WITH PROGRESSIVE SPASTICITY AND BRAIN WHITE MATTER ABNORMALITIES. Last evaluated: 2021-11-22. Review status: no assertion criteria provided. Collection method: literature only. Allele origin: germline. Not counted in ClinVar's aggregate classification.

Yale Center for Mendelian Genomics, Yale University
Classification: Likely pathogenic for Spastic paraplegia. Last evaluated: 2021-05-10. Review status: no assertion criteria provided. Collection method: literature only. Allele origin: germline. Affected: yes. Observed: 1 compound heterozygote. Study: Yale Center for Mendelian Genomics. Not counted in ClinVar's aggregate classification.

Literature cited by the submitters: PubMed 33188300 (cited by OMIM); PubMed 33970200 (cited by Yale Center for Mendelian Genomics, Yale University).

NM_032756.4(HPDL):c.232G>A (p.Ala78Thr)

Gene: HPDL (4-hydroxyphenylpyruvate dioxygenase like; plus strand). Cytogenetic location: 1p34.1.
Variant type: single nucleotide variant.
Coding change: c.232G>A on transcript NM_032756.4 (MANE Select); coding-DNA position 232, G replaced by A.
Protein change: p.Ala78Thr; replaces alanine 78 with threonine.
Molecular consequence: missense variant.
Genome position (GRCh38, 1-based): chr1:45,327,380, G>A. VCF-style: chr1-45327380-G-A. GRCh37 (hg19) VCF-style: chr1-45793052-G-A.
Other names: short protein forms A78T.
Identifiers: ClinVar variation 1224494 (VCV001224494.4), dbSNP rs1360472871, ClinGen allele CA340128158.